The following is an entry in ClinVar:

ClinVar aggregate classification (germline): Likely benign (1 of 4 stars; one submission).

Submission:

Laboratory for Molecular Medicine, Mass General Brigham Personalized Medicine
Classification: Likely benign. Last evaluated: 2011-08-02. Review status: criteria provided, single submitter. Criteria: LMM Criteria. Collection method: clinical testing. Allele origin: germline. Observed: 1 variant allele.
Comment: Met5167Ile in exon 71 of USH2A: This variant is not expected to have clinical si gnificance because computational analyses (PolyPhen2, SIFT, AlignGVGD) do not su ggest a high likelihood of clinical significance primarily based upon lack of co nservation across species. Of note, chicken has an isoleucine at this position.

NM_206933.4(USH2A):c.15501G>A (p.Met5167Ile)

Gene: USH2A (usherin; minus strand). Cytogenetic location: 1q41.
Variant type: single nucleotide variant.
Coding change: c.15501G>A on transcript NM_206933.4 (MANE Select); coding-DNA position 15501, G replaced by A.
Protein change: p.Met5167Ile; replaces methionine 5167 with isoleucine.
Molecular consequence: missense variant.
Genome position (GRCh38, 1-based): chr1:215,628,832, C>T on the plus strand (G>A on the coding strand, the complement: USH2A is on the minus strand). VCF-style: chr1-215628832-C-T. GRCh37 (hg19) VCF-style: chr1-215802174-C-T.
Other names: short protein forms M5167I.
Identifiers: ClinVar variation 48466 (VCV000048466.5), dbSNP rs397518001, ClinGen allele CA143405.